The following is an entry in ClinVar:

ClinVar aggregate classification (germline): Pathogenic (1 of 4 stars; one submission).

Conditions:
Dilated cardiomyopathy 1G (CMD1G). Identifiers: Orphanet 154, MedGen C1858763, MONDO:0011400, OMIM 604145.

Submission:

Institute of Immunology and Genetics Kaiserslautern
Classification: Pathogenic for Dilated cardiomyopathy 1G. Last evaluated: 2025-07-16. Review status: criteria provided, single submitter. Criteria: ACMG Guidelines, 2015. Collection method: clinical testing. Allele origin: germline. Affected: yes.
Comment: ACMG Criteria: PVS1, PM2, PP5; Variant was found in heterozygous state and detected together with LMNA(NM_170707.4):c.1567G>A.

NM_001267550.2(TTN):c.36419del (p.Pro12140fs)

Gene: TTN (titin; minus strand). Cytogenetic location: 2q31.2.
Variant type: Deletion.
Coding change: c.36419del on transcript NM_001267550.2 (MANE Select); coding-DNA position 36419, one base deleted (C; older notation c.36419delC).
Protein change: p.Pro12140fs; shifts the reading frame from proline 12140.
Molecular consequence: frameshift variant. On other transcripts: intron variant (5).
Genome position (GRCh38, 1-based): chr2:178,663,848, G deleted on the plus strand (C on the coding strand, the reverse complement: TTN is on the minus strand); the first of 2 consecutive G bases (chr2:178,663,848-178,663,849); deleting either gives the same sequence. VCF-style (leftmost placement, unchanged base first): chr2-178663847-AG-A. GRCh37 (hg19) VCF-style: chr2-179528574-AG-A.
Other names: c.13283-21531del (NM_003319.4); c.13859-21531del (NM_133437.4); c.13658-21531del (NM_133432.3); c.31484-793del (NM_133378.4); c.34265-793del (NM_001256850.1); short protein forms P12140fs.
Identifiers: ClinVar variation 4279060 (VCV004279060.1).
Genomic context (GRCh38, chr2:178,663,847, plus strand): 5'-GAGATCTGAAGCCTAAGGTCAGTGGCAACTACCTTTAACAGGTGGGACTTCAGGCTCTTT[AG>A]GAGGAGCCAAGGGCACTTTCTCTTCGCGGATAACCTCTTTGGAAGCTTCTGGCACTTGAA-3'